The following is an entry in ClinVar:

NM_001197294.2(DPYSL3):c.655A>C (p.Ile219Leu)

Gene: DPYSL3 (dihydropyrimidinase like 3; minus strand). Cytogenetic location: 5q32.
Variant type: single nucleotide variant.
Coding change: c.655A>C on transcript NM_001197294.2 (MANE Select); coding-DNA position 655, A replaced by C.
Protein change: p.Ile219Leu; replaces isoleucine 219 with leucine.
Molecular consequence: missense variant.
Genome position (GRCh38, 1-based): chr5:147,418,447, T>G on the plus strand (A>C on the coding strand, the complement: DPYSL3 is on the minus strand). VCF-style: chr5-147418447-T-G. GRCh37 (hg19) VCF-style: chr5-146798010-T-G.
Other names: c.313A>C, p.Ile105Leu (NM_001387.3); short protein forms I105L, I219L.
Identifiers: ClinVar variation 2672156 (VCV002672156.1), dbSNP rs1183579974, ClinGen allele CA361649648.
Genomic context (GRCh38, chr5:147,418,447, plus strand): 5'-AACACATTCATTAAACACACACTTCTGAGAAACAGGAGTGTGTAAAATATGAAGACTTAC[T>G]GATCATGGTGGTGCCACCTGCTAAGGCCGCCTTTGTCCCTTGGAAGAAGTCATCTACTGT-3'
Protein context (NP_001184223.1, residues 209-229): AALAGGTTMI[Ile219Leu]DHVVPEPESS

ClinVar aggregate classification (germline): Uncertain significance (1 of 4 stars; one submission).

Conditions:
Autism (AUTS). Also called: Autistic disorder of childhood onset; Autistic disorder. Identifiers: MedGen C0004352, MeSH D001321, MONDO:0005260, OMIM 209850, HP:0000717.

gnomAD v4.1: 1 of 1,600,610 alleles (0.000062%); highest among the groups gnomAD compares: Non-Finnish European, 0.000085%; no homozygotes.

Submission:

Clinical Genomics Laboratory, Washington University in St. Louis
Classification: Uncertain significance for Autism. Last evaluated: 2023-10-05. Review status: criteria provided, single submitter. Criteria: ACMG Guidelines, 2015. Collection method: clinical testing. Allele origin: germline.
Comment: The DPYSL3 c.655G>C (p.Ile219Leu) variant, to our knowledge, has not been reported in the medical literature and is absent from the general population (gnomAD v.2.1.1), indicating it is not a common variant. Computational predictors are uncertain as to the impact of this variant on DPYSL3 function. Due to limited information, the clinical significance of this variant is uncertain.